The following is an entry in ClinVar:

ClinVar aggregate classification (germline): Uncertain significance (1 of 4 stars; one submission).

Conditions:
Spinocerebellar ataxia type 36. Also called: Spinocerebellar Ataxia Type36. Identifiers: Orphanet 276198, MedGen C3472711, MONDO:0013594, OMIM 614153.

Submission:

Baylor Genetics
Classification: Uncertain significance for Spinocerebellar ataxia type 36. Last evaluated: 2020-07-29. Review status: criteria provided, single submitter. Criteria: ACMG Guidelines, 2015. Collection method: clinical testing. Allele origin: unknown. Affected: yes.
Comment: This variant was determined to be of uncertain significance according to ACMG Guidelines, 2015 [PMID:25741868].

NM_006392.4(NOP56):c.1475A>G (p.Gln492Arg)

Gene: NOP56 (NOP56 ribonucleoprotein; plus strand). Cytogenetic location: 20p13.
Variant type: single nucleotide variant.
Coding change: c.1475A>G on transcript NM_006392.4 (MANE Select); coding-DNA position 1475, A replaced by G.
Protein change: p.Gln492Arg; replaces glutamine 492 with arginine.
Molecular consequence: missense variant. On other transcripts: non-coding transcript variant (2).
Genome position (GRCh38, 1-based): chr20:2,657,984, A>G. VCF-style: chr20-2657984-A-G. GRCh37 (hg19) VCF-style: chr20-2638630-A-G.
Other names: short protein forms Q492R.
Identifiers: ClinVar variation 1030104 (VCV001030104.1), dbSNP rs2086850165, ClinGen allele CA408029617.